The following is an entry in ClinVar:

NM_001130144.3(LTBP3):c.1783C>G (p.Pro595Ala)

Gene: LTBP3 (latent transforming growth factor beta binding protein 3; minus strand). Cytogenetic location: 11q13.1.
Variant type: single nucleotide variant.
Coding change: c.1783C>G on transcript NM_001130144.3 (MANE Select); coding-DNA position 1783, C replaced by G.
Protein change: p.Pro595Ala; replaces proline 595 with alanine.
Molecular consequence: missense variant.
Genome position (GRCh38, 1-based): chr11:65,547,983, G>C on the plus strand (C>G on the coding strand, the complement: LTBP3 is on the minus strand). VCF-style: chr11-65547983-G-C. GRCh37 (hg19) VCF-style: chr11-65315454-G-C.
Other names: c.1432C>G, p.Pro478Ala (NM_001164266.1); c.1783C>G, p.Pro595Ala (NM_021070.4); short protein forms P478A, P595A.
Identifiers: ClinVar variation 3233151 (VCV003233151.1), dbSNP rs1312791931, ClinGen allele CA381271971.

ClinVar aggregate classification (germline): Uncertain significance (1 of 4 stars; one submission).

Conditions:
Inborn genetic diseases. Identifiers: MedGen C0950123, MeSH D030342.

Submission:

Ambry Genetics
Classification: Uncertain significance for Inborn genetic diseases. Last evaluated: 2023-10-23. Review status: criteria provided, single submitter. Criteria: Ambry Variant Classification Scheme 2023. Collection method: clinical testing. Allele origin: germline.
Comment: The p.P595A variant (also known as c.1783C>G), located in coding exon 12 of the LTBP3 gene, results from a C to G substitution at nucleotide position 1783. The proline at codon 595 is replaced by alanine, an amino acid with highly similar properties. This amino acid position is conserved. In addition, this alteration is predicted to be tolerated by in silico analysis. Since supporting evidence is limited at this time, the clinical significance of this alteration remains unclear.